The following is an entry in ClinVar:

ClinVar aggregate classification (germline): Benign. Review status: criteria provided, multiple submitters, no conflicts (2 of 4 stars). 3 submissions from 3 submitters: Benign (2). 1 of the submissions does not count toward it. Last evaluated 2020-02-04.

Conditions:
TNC-related disorder. Also called: TNC-related condition.

Allele frequency attached by ClinVar (database versions not stated): 1000 Genomes Project 30x 0.00640; 1000 Genomes Project 0.00659; gnomAD 0.01249 and 0.01281; ExAC 0.01300; TOPMed 0.01349; gnomAD exomes 0.01358 and 0.01742; ESP Exome Variant Server 0.01476.
gnomAD v4.1: 27,484 of 1,613,284 alleles (1.7%); highest among the groups gnomAD compares: Non-Finnish European, 1.9%; 323 homozygotes.

Submissions (3):

GeneDx
Classification: Benign. Last evaluated: 2020-02-04. Review status: criteria provided, single submitter. Criteria: GeneDx Variant Classification Process June 2021. Collection method: clinical testing. Allele origin: germline. Affected: yes.

Breakthrough Genomics
Classification: Benign. Review status: criteria provided, single submitter. Criteria: ACMG Guidelines, 2015. Collection method: not provided. Allele origin: germline. Inheritance: Autosomal dominant inheritance. Affected: yes.

PreventionGenetics, part of Exact Sciences
Classification: Benign for TNC-related condition. Last evaluated: 2019-09-26. Review status: no assertion criteria provided. Collection method: clinical testing. Allele origin: germline. Not counted in ClinVar's aggregate classification.
Comment: This variant is classified as benign based on ACMG/AMP sequence variant interpretation guidelines (Richards et al. 2015 PMID: 25741868, with internal and published modifications).

NM_002160.4(TNC):c.3739C>A (p.Leu1247Ile)

Genes: TNC (tenascin C; minus strand), LOC126860741 (P300/CBP strongly-dependent group 1 enhancer GRCh37_chr9:117825442-117826641; plus strand). Cytogenetic location: 9q33.1.
Variant type: single nucleotide variant.
Coding change: c.3739C>A on transcript NM_002160.4 (MANE Select); coding-DNA position 3739, C replaced by A.
Protein change: p.Leu1247Ile; replaces leucine 1247 with isoleucine.
Molecular consequence: missense variant.
Genome position (GRCh38, 1-based): chr9:115,063,817, G>T on the plus strand (C>A on the coding strand, the complement: TNC is on the minus strand). VCF-style: chr9-115063817-G-T. GRCh37 (hg19) VCF-style: chr9-117826096-G-T.
Other names: short protein forms L1247I.
Identifiers: ClinVar variation 1248641 (VCV001248641.5), dbSNP rs113301777, ClinGen allele CA5208152.